The following is an entry in ClinVar:

ClinVar aggregate classification (germline): Uncertain significance. Review status: criteria provided, multiple submitters, no conflicts (2 of 4 stars). 2 submissions from 2 submitters: Uncertain significance (2). Last evaluated 2025-02-19.

Conditions:
Hereditary cancer-predisposing syndrome. Also called: Tumor predisposition; Hereditary neoplastic syndrome; Hereditary Cancer Syndrome; Neoplastic Syndromes, Hereditary. Identifiers: Orphanet 140162, MedGen C0027672, MeSH D009386, MONDO:0015356.
Multiple endocrine neoplasia type 4. Also called: MULTIPLE ENDOCRINE NEOPLASIA, TYPE IV. Identifiers: Orphanet 276152, MedGen C1970712, MONDO:0012552, OMIM 610755.

Submissions (2):

Labcorp Genetics (formerly Invitae), Labcorp
Classification: Uncertain significance for Multiple endocrine neoplasia type 4. Last evaluated: 2025-02-19. Review status: criteria provided, single submitter. Criteria: Invitae Variant Classification Sherloc (09022015). Collection method: clinical testing. Allele origin: germline.
Comment: This sequence change replaces glutamic acid, which is acidic and polar, with lysine, which is basic and polar, at codon 75 of the CDKN1B protein (p.Glu75Lys). This variant is not present in population databases (gnomAD no frequency). This variant has not been reported in the literature in individuals affected with CDKN1B-related conditions. ClinVar contains an entry for this variant (Variation ID: 1443674). An algorithm developed to predict the effect of missense changes on protein structure and function (PolyPhen-2) suggests that this variant is likely to be disruptive. In summary, the available evidence is currently insufficient to determine the role of this variant in disease. Therefore, it has been classified as a Variant of Uncertain Significance.

Ambry Genetics
Classification: Uncertain significance for Hereditary cancer-predisposing syndrome. Last evaluated: 2022-05-07. Review status: criteria provided, single submitter. Criteria: Ambry Variant Classification Scheme 2023. Collection method: clinical testing. Allele origin: germline.
Comment: The p.E75K variant (also known as c.223G>A), located in coding exon 1 of the CDKN1B gene, results from a G to A substitution at nucleotide position 223. The glutamic acid at codon 75 is replaced by lysine, an amino acid with similar properties. This amino acid position is conserved. In addition, the in silico prediction for this alteration is inconclusive. Since supporting evidence is limited at this time, the clinical significance of this alteration remains unclear.

NM_004064.5(CDKN1B):c.223G>A (p.Glu75Lys)

Gene: CDKN1B (cyclin dependent kinase inhibitor 1B; plus strand). Cytogenetic location: 12p13.1.
Variant type: single nucleotide variant.
Coding change: c.223G>A on transcript NM_004064.5 (MANE Select); coding-DNA position 223, G replaced by A.
Protein change: p.Glu75Lys; replaces glutamic acid 75 with lysine.
Molecular consequence: missense variant.
Genome position (GRCh38, 1-based): chr12:12,718,062, G>A. VCF-style: chr12-12718062-G-A. GRCh37 (hg19) VCF-style: chr12-12870996-G-A.
Other names: short protein forms E75K.
Identifiers: ClinVar variation 1443674 (VCV001443674.8), dbSNP rs2136355827, ClinGen allele CA383969611.
Genomic context (GRCh38, chr12:12,718,062, plus strand): 5'-GCGAGCCAGCGCAAGTGGAATTTCGATTTTCAGAATCACAAACCCCTAGAGGGCAAGTAC[G>A]AGTGGCAAGAGGTGGAGAAGGGCAGCTTGCCCGAGTTCTACTACAGACCCCCGCGGCCCC-3'
Protein context (NP_004055.1, residues 65-85): QNHKPLEGKY[Glu75Lys]WQEVEKGSLP